The following is an entry in ClinVar:

NM_014000.3(VCL):c.2559+1G>A

Gene: VCL (vinculin; plus strand). Cytogenetic location: 10q22.2.
Variant type: single nucleotide variant.
Coding change: c.2559+1G>A on transcript NM_014000.3 (MANE Select); the canonical splice donor site of the intron after coding-DNA position 2559, G replaced by A.
Molecular consequence: splice donor variant.
Genome position (GRCh38, 1-based): chr10:74,107,355, G>A. VCF-style: chr10-74107355-G-A. GRCh37 (hg19) VCF-style: chr10-75867113-G-A.
Other names: c.2559+1G>A (NM_003373.4).
Identifiers: ClinVar variation 4699626 (VCV004699626.1).

ClinVar aggregate classification (germline): Uncertain significance (1 of 4 stars; one submission).

Conditions:
Dilated cardiomyopathy 1W (CMD1W). Identifiers: Orphanet 154, MedGen C1969639, MONDO:0012667, OMIM 611407.

Submission:

Labcorp Genetics (formerly Invitae), Labcorp
Classification: Uncertain significance for Dilated cardiomyopathy 1W. Last evaluated: 2025-05-06. Review status: criteria provided, single submitter. Criteria: Invitae Variant Classification Sherloc (09022015). Collection method: clinical testing. Allele origin: germline.
Comment: This sequence change affects a donor splice site in intron 17 of the VCL gene. It is expected to disrupt RNA splicing. Variants that disrupt the donor or acceptor splice site typically lead to a loss of protein function (PMID: 16199547), however the current clinical and genetic evidence is not sufficient to establish whether loss-of-function variants in VCL cause disease. This variant is not present in population databases (gnomAD no frequency). This variant has not been reported in the literature in individuals affected with VCL-related conditions. Algorithms developed to predict the effect of sequence changes on RNA splicing suggest that this variant may disrupt the consensus splice site. In summary, the available evidence is currently insufficient to determine the role of this variant in disease. Therefore, it has been classified as a Variant of Uncertain Significance.

Literature cited by the submitters: PubMed 16199547.